The following is an entry in ClinVar:

ClinVar aggregate classification (germline): Conflicting classifications of pathogenicity. Review status: criteria provided, conflicting classifications (1 of 4 stars). 6 submissions from 6 submitters: Uncertain significance (4); Likely benign (1). 1 of the submissions does not count toward it. Last evaluated 2025-11-24.

Conditions:
Hereditary cancer-predisposing syndrome. Also called: Neoplastic Syndromes, Hereditary; Hereditary neoplastic syndrome; Tumor predisposition; Hereditary Cancer Syndrome. Identifiers: Orphanet 140162, MedGen C0027672, MeSH D009386, MONDO:0015356.
Mandibular hypoplasia-deafness-progeroid syndrome. Also called: Mandibular hypoplasia, deafness, progeroid features, and lipodystrophy syndrome. Identifiers: Orphanet 363649, MedGen C3715192, MONDO:0014157, OMIM 615381.
Immunodeficiency 120. Identifiers: MedGen C5935622, MONDO:0970994, OMIM 620836.
POLD1-related polyposis and colorectal cancer syndrome (CRCS10). Also called: Colorectal cancer 10; COLORECTAL CANCER, SUSCEPTIBILITY TO, ON CHROMOSOME 19q; Colorectal cancer, susceptibility to, 10. Identifiers: Orphanet 220460, MedGen C2675481, MONDO:0012953, OMIM 612591.

Allele frequency attached by ClinVar (database versions not stated): ExAC 0.00002; TOPMed 0.00002; gnomAD 0.00006.
gnomAD v4.1: 141 of 1,613,458 alleles (0.0087%); highest among the groups gnomAD compares: Non-Finnish European, 0.012%; no homozygotes.

Submissions (6):

Labcorp Genetics (formerly Invitae), Labcorp
Classification: Uncertain significance for POLD1-related polyposis and colorectal cancer syndrome. Last evaluated: 2025-11-24. Review status: criteria provided, single submitter. Criteria: Invitae Variant Classification Sherloc (09022015). Collection method: clinical testing. Allele origin: germline.
Comment: This sequence change replaces glycine, which is neutral and non-polar, with arginine, which is basic and polar, at codon 120 of the POLD1 protein (p.Gly120Arg). This variant is present in population databases (rs746234949, gnomAD 0.005%). This variant has not been reported in the literature in individuals affected with POLD1-related conditions. ClinVar contains an entry for this variant (Variation ID: 469346). Invitae Evidence Modeling of protein sequence and biophysical properties (such as structural, functional, and spatial information, amino acid conservation, physicochemical variation, residue mobility, and thermodynamic stability) indicates that this missense variant is not expected to disrupt POLD1 protein function with a negative predictive value of 80%. In summary, the available evidence is currently insufficient to determine the role of this variant in disease. Therefore, it has been classified as a Variant of Uncertain Significance.

Ambry Genetics
Classification: Likely benign for Hereditary cancer-predisposing syndrome. Last evaluated: 2024-10-04. Review status: criteria provided, single submitter. Criteria: Ambry Variant Classification Scheme 2023. Collection method: clinical testing. Allele origin: germline.

GeneDx
Classification: Uncertain significance. Last evaluated: 2023-08-17. Review status: criteria provided, single submitter. Criteria: GeneDx Variant Classification Process June 2021. Collection method: clinical testing. Allele origin: germline. Affected: yes.
Comment: In silico analysis supports that this missense variant has a deleterious effect on protein structure/function; Has not been previously published as pathogenic or benign to our knowledge

Department of Pathology and Laboratory Medicine, Sinai Health System
Classification: Uncertain significance for POLD1-related polyposis and colorectal cancer syndrome; Mandibular hypoplasia-deafness-progeroid syndrome; Immunodeficiency 120. Last evaluated: 2023-06-22. Review status: criteria provided, single submitter. Criteria: ACMG Guidelines, 2015. Collection method: clinical testing. Allele origin: germline. Affected: yes.

Quest Diagnostics Nichols Institute San Juan Capistrano
Classification: Uncertain significance. Last evaluated: 2018-02-06. Review status: criteria provided, single submitter. Criteria: Quest Diagnostics criteria. Collection method: clinical testing. Allele origin: germline.

Counsyl
Classification: Uncertain significance for POLD1-related polyposis and colorectal cancer syndrome. Last evaluated: 2018-03-19. Review status: no assertion criteria provided. Collection method: clinical testing. Allele origin: unknown. Not counted in ClinVar's aggregate classification.

NM_002691.4(POLD1):c.358G>C (p.Gly120Arg)

Gene: POLD1 (DNA polymerase delta 1, catalytic subunit; plus strand). Cytogenetic location: 19q13.33.
Variant type: single nucleotide variant.
Coding change: c.358G>C on transcript NM_002691.4 (MANE Select); coding-DNA position 358, G replaced by C.
Protein change: p.Gly120Arg; replaces glycine 120 with arginine.
Molecular consequence: missense variant. On other transcripts: non-coding transcript variant (1).
Genome position (GRCh38, 1-based): chr19:50,401,819, G>C. VCF-style: chr19-50401819-G-C. GRCh37 (hg19) VCF-style: chr19-50905076-G-C.
Other names: c.358G>C, p.Gly120Arg (NM_001256849.1, NM_001308632.1); c.358G>C (NM_002691.2); short protein forms G120R.
Identifiers: ClinVar variation 469346 (VCV000469346.19), dbSNP rs746234949, ClinGen allele CA9595711.